The following is an entry in ClinVar:

ClinVar aggregate classification (germline): Uncertain significance. Review status: criteria provided, multiple submitters, no conflicts (2 of 4 stars). 2 submissions from 2 submitters: Uncertain significance (2). Last evaluated 2021-12-28.

Allele frequency attached by ClinVar (database versions not stated): ESP Exome Variant Server 0.00008.
gnomAD v4.1: 32 of 1,613,488 alleles (0.002%); highest among the groups gnomAD compares: Non-Finnish European, 0.0025%; no homozygotes.

Submissions (2):

Labcorp Genetics (formerly Invitae), Labcorp
Classification: Uncertain significance. Last evaluated: 2021-12-28. Review status: criteria provided, single submitter. Criteria: Invitae Variant Classification Sherloc (09022015). Collection method: clinical testing. Allele origin: germline.
Comment: In summary, the available evidence is currently insufficient to determine the role of this variant in disease. Therefore, it has been classified as a Variant of Uncertain Significance. Algorithms developed to predict the effect of missense changes on protein structure and function are either unavailable or do not agree on the potential impact of this missense change (SIFT: "Tolerated"; PolyPhen-2: "Probably Damaging"; Align-GVGD: "Class C0"). This variant has not been reported in the literature in individuals affected with CRAT-related conditions. This variant is present in population databases (rs369950286, gnomAD 0.007%). This sequence change replaces arginine, which is basic and polar, with cysteine, which is neutral and slightly polar, at codon 321 of the CRAT protein (p.Arg321Cys).

Ambry Genetics
Classification: Uncertain significance. Last evaluated: 2021-10-18. Review status: criteria provided, single submitter. Criteria: Ambry Variant Classification Scheme 2023. Collection method: clinical testing. Allele origin: germline.

NM_000755.5(CRAT):c.961C>T (p.Arg321Cys)

Gene: CRAT (carnitine O-acetyltransferase; minus strand). Cytogenetic location: 9q34.11.
Variant type: single nucleotide variant.
Coding change: c.961C>T on transcript NM_000755.5 (MANE Select); coding-DNA position 961, C replaced by T.
Protein change: p.Arg321Cys; replaces arginine 321 with cysteine.
Molecular consequence: missense variant.
Genome position (GRCh38, 1-based): chr9:129,100,534, G>A on the plus strand (C>T on the coding strand, the complement: CRAT is on the minus strand). VCF-style: chr9-129100534-G-A. GRCh37 (hg19) VCF-style: chr9-131862813-G-A.
Other names: c.898C>T, p.Arg300Cys (NM_001257363.3, NM_001346548.2, NM_004003.4); c.964C>T, p.Arg322Cys (NM_001346546.2); c.961C>T, p.Arg321Cys (NM_001346547.2); c.841C>T, p.Arg281Cys (NM_001346549.2); short protein forms R300C, R281C, R322C, R321C.
Identifiers: ClinVar variation 1960265 (VCV001960265.6), dbSNP rs369950286, ClinGen allele CA5275563.